The following is an entry in ClinVar:

ClinVar aggregate classification (germline): Uncertain significance (1 of 4 stars; one submission).

Conditions:
Multiple acyl-CoA dehydrogenase deficiency (MADD). Also called: ETHYLMALONIC-ADIPICACIDURIA; Glutaric aciduria, type 2; Glutaric Acidemia type 2; Glutaric acidemia type II; GA 2; GA II. Identifiers: Orphanet 26791, MedGen C0268596, MONDO:0009282, OMIM 231680.

Submission:

Labcorp Genetics (formerly Invitae), Labcorp
Classification: Uncertain significance for Multiple acyl-CoA dehydrogenase deficiency. Last evaluated: 2022-09-08. Review status: criteria provided, single submitter. Criteria: Invitae Variant Classification Sherloc (09022015). Collection method: clinical testing. Allele origin: germline.
Comment: In summary, the available evidence is currently insufficient to determine the role of this variant in disease. Therefore, it has been classified as a Variant of Uncertain Significance. Variants that disrupt the consensus splice site are a relatively common cause of aberrant splicing (PMID: 17576681, 9536098). Algorithms developed to predict the effect of sequence changes on RNA splicing suggest that this variant may disrupt the consensus splice site. This variant has not been reported in the literature in individuals affected with ETFB-related conditions. This variant is not present in population databases (gnomAD no frequency). This sequence change falls in intron 4 of the ETFB gene. It does not directly change the encoded amino acid sequence of the ETFB protein. It affects a nucleotide within the consensus splice site.

Literature cited by the submitters: PubMed 17576681; PubMed 9536098.

NM_001985.3(ETFB):c.438+4A>G

Gene: ETFB (electron transfer flavoprotein subunit beta; minus strand). Cytogenetic location: 19q13.41.
Variant type: single nucleotide variant.
Coding change: c.438+4A>G on transcript NM_001985.3 (MANE Select); 4 bases into the intron after coding-DNA position 438, A replaced by G.
Molecular consequence: intron variant.
Genome position (GRCh38, 1-based): chr19:51,350,325, T>C on the plus strand (A>G on the coding strand, the complement: ETFB is on the minus strand). VCF-style: chr19-51350325-T-C. GRCh37 (hg19) VCF-style: chr19-51853579-T-C.
Other names: c.711+4A>G (NM_001014763.1).
Identifiers: ClinVar variation 2127568 (VCV002127568.4), dbSNP rs2514149245, ClinGen allele CA2580097659.
Genomic context (GRCh38, chr19:51,350,325, plus strand): 5'-GCAGAAATGAAGTTTGAGGGATGAGGGCCTGGCCCTCAGCAGGTGCTCCCCACTCCAGTC[T>C]CACCTGTGGCCAGTCAAGAAATCCAGCTGTCATCTGCCCTGTCTGGTTACAGTCATCATC-3'